The following is an entry in ClinVar:

NM_001042492.3(NF1):c.3351C>T (p.Cys1117=)

Gene: NF1 (neurofibromin 1; plus strand). Cytogenetic location: 17q11.2.
Variant type: single nucleotide variant.
Coding change: c.3351C>T on transcript NM_001042492.3 (MANE Select); coding-DNA position 3351, C replaced by T.
Protein change: p.Cys1117=; no amino-acid change (cysteine 1117 retained).
Molecular consequence: synonymous variant.
Genome position (GRCh38, 1-based): chr17:31,232,736, C>T. VCF-style: chr17-31232736-C-T. GRCh37 (hg19) VCF-style: chr17-29559754-C-T.
Other names: c.3351C>T, p.Cys1117= (NM_000267.4).
Identifiers: ClinVar variation 3707491 (VCV003707491.2).

ClinVar aggregate classification (germline): Uncertain significance (1 of 4 stars; one submission).

Conditions:
Neurofibromatosis, type 1 (NF1). Also called: NEUROFIBROMATOSIS, TYPE I, SOMATIC; Neurofibromatosis, type I; VON RECKLINGHAUSEN DISEASE; Peripheral type neurofibromatosis. Identifiers: Orphanet 636, MedGen C0027831, MONDO:0018975, OMIM 162200. Disease mechanism: loss of function.

Submission:

Labcorp Genetics (formerly Invitae), Labcorp
Classification: Uncertain significance for Neurofibromatosis, type 1. Last evaluated: 2024-05-23. Review status: criteria provided, single submitter. Criteria: Invitae Variant Classification Sherloc (09022015). Collection method: clinical testing. Allele origin: germline.
Comment: This sequence change affects codon 1117 of the NF1 mRNA. It is a 'silent' change, meaning that it does not change the encoded amino acid sequence of the NF1 protein. This variant is not present in population databases (gnomAD no frequency). This variant has not been reported in the literature in individuals affected with NF1-related conditions. Algorithms developed to predict the effect of sequence changes on RNA splicing suggest that this variant may disrupt the consensus splice site. In summary, the available evidence is currently insufficient to determine the role of this variant in disease. Therefore, it has been classified as a Variant of Uncertain Significance.